The following is an entry in ClinVar:

NM_015450.3(POT1):c.880T>A (p.Ser294Thr)

Gene: POT1 (protection of telomeres 1; minus strand). Cytogenetic location: 7q31.33.
Variant type: single nucleotide variant.
Coding change: c.880T>A on transcript NM_015450.3 (MANE Select); coding-DNA position 880, T replaced by A.
Protein change: p.Ser294Thr; replaces serine 294 with threonine.
Molecular consequence: missense variant. On other transcripts: non-coding transcript variant (3).
Genome position (GRCh38, 1-based): chr7:124,851,941, A>T on the plus strand (T>A on the coding strand, the complement: POT1 is on the minus strand). VCF-style: chr7-124851941-A-T. GRCh37 (hg19) VCF-style: chr7-124491995-A-T.
Other names: c.487T>A, p.Ser163Thr (NM_001042594.2); short protein forms S163T, S294T.
Identifiers: ClinVar variation 3308941 (VCV003308941.1).

ClinVar aggregate classification (germline): Uncertain significance (1 of 4 stars; one submission).

Conditions:
Hereditary cancer-predisposing syndrome. Also called: Neoplastic Syndromes, Hereditary; Tumor predisposition; Hereditary neoplastic syndrome; Hereditary Cancer Syndrome. Identifiers: Orphanet 140162, MedGen C0027672, MeSH D009386, MONDO:0015356.

Submission:

Ambry Genetics
Classification: Uncertain significance for Hereditary cancer-predisposing syndrome. Last evaluated: 2024-04-05. Review status: criteria provided, single submitter. Criteria: Ambry Variant Classification Scheme 2023. Collection method: clinical testing. Allele origin: germline.
Comment: The p.S294T variant (also known as c.880T>A), located in coding exon 7 of the POT1 gene, results from a T to A substitution at nucleotide position 880. The serine at codon 294 is replaced by threonine, an amino acid with similar properties. This amino acid position is conserved. In addition, this alteration is predicted to be tolerated by in silico analysis. Based on the available evidence, the clinical significance of this variant remains unclear.